The following is an entry in ClinVar:

NM_002457.5(MUC2):c.13014C>G (p.Ser4338=)

Gene: MUC2 (mucin 2, oligomeric mucus/gel-forming; plus strand). Cytogenetic location: 11p15.5.
Variant type: single nucleotide variant.
Coding change: c.13014C>G on transcript NM_002457.5 (MANE Select); coding-DNA position 13014, C replaced by G.
Protein change: p.Ser4338=; no amino-acid change (serine 4338 retained).
Molecular consequence: synonymous variant.
Genome position (GRCh38, 1-based): chr11:1,101,347, C>G. VCF-style: chr11-1101347-C-G. GRCh37 (hg19) VCF-style: chr11-1095255-C-G.
Identifiers: ClinVar variation 2641155 (VCV002641155.24), dbSNP rs370650831, ClinGen allele CA5800662.

ClinVar aggregate classification (germline): Likely benign (1 of 4 stars; one submission).

Allele frequency attached by ClinVar (database versions not stated): gnomAD exomes 0.00001; TOPMed 0.00028; ESP Exome Variant Server 0.00031.

Submission:

CeGaT Center for Human Genetics Tuebingen
Classification: Likely benign. Last evaluated: 2022-05-01. Review status: criteria provided, single submitter. Criteria: CeGaT Center For Human Genetics Tuebingen Variant Classification Criteria Version 2. Collection method: clinical testing. Allele origin: germline. Affected: yes. Observed: 2 variant alleles.
Comment: MUC2: BP4, BP7